The following is an entry in ClinVar:

NM_000294.3(PHKG2):c.863A>T (p.His288Leu)

Gene: PHKG2 (phosphorylase kinase catalytic subunit gamma 2; plus strand). Cytogenetic location: 16p11.2.
Variant type: single nucleotide variant.
Coding change: c.863A>T on transcript NM_000294.3 (MANE Select); coding-DNA position 863, A replaced by T.
Protein change: p.His288Leu; replaces histidine 288 with leucine.
Molecular consequence: missense variant.
Genome position (GRCh38, 1-based): chr16:30,756,651, A>T. VCF-style: chr16-30756651-A-T. GRCh37 (hg19) VCF-style: chr16-30767972-A-T.
Other names: c.863A>T, p.His288Leu (NM_001172432.2); short protein forms H288L.
Identifiers: ClinVar variation 4813544 (VCV004813544.1).

ClinVar aggregate classification (germline): Uncertain significance (1 of 4 stars; one submission).

Conditions:
Glycogen storage disease IXc (GSD9C). Also called: GSD IXc. Identifiers: Orphanet 264580, MedGen C2751643, MONDO:0013091, OMIM 613027.

Submission:

Mendelics
Classification: Uncertain significance for Glycogen storage disease IXc. Last evaluated: 2026-03-05. Review status: criteria provided, single submitter. Criteria: ACMG Guidelines, 2015. Collection method: clinical testing. Allele origin: unknown.
Comment: The available evidence is insufficient to conclusively determine the role of this variant. Therefore, it is classified as a Variant of Uncertain Significance.